The following is an entry in ClinVar:

ClinVar aggregate classification (germline): Uncertain significance (1 of 4 stars; one submission).

Conditions:
Hereditary cancer-predisposing syndrome. Also called: Neoplastic Syndromes, Hereditary; Tumor predisposition; Hereditary Cancer Syndrome; Hereditary neoplastic syndrome. Identifiers: Orphanet 140162, MedGen C0027672, MeSH D009386, MONDO:0015356.

Submission:

Ambry Genetics
Classification: Uncertain significance for Hereditary cancer-predisposing syndrome. Last evaluated: 2022-09-25. Review status: criteria provided, single submitter. Criteria: Ambry Variant Classification Scheme 2023. Collection method: clinical testing. Allele origin: germline.
Comment: The p.S1383R variant (also known as c.4149C>G), located in coding exon 33 of the TSC2 gene, results from a C to G substitution at nucleotide position 4149. The serine at codon 1383 is replaced by arginine, an amino acid with dissimilar properties. This amino acid position is conserved. In addition, the in silico prediction for this alteration is inconclusive. Since supporting evidence is limited at this time, the clinical significance of this alteration remains unclear.

NM_000548.5(TSC2):c.4149C>G (p.Ser1383Arg)

Gene: TSC2 (TSC complex subunit 2; plus strand). Cytogenetic location: 16p13.3.
Variant type: single nucleotide variant.
Coding change: c.4149C>G on transcript NM_000548.5 (MANE Select); coding-DNA position 4149, C replaced by G.
Protein change: p.Ser1383Arg; replaces serine 1383 with arginine.
Molecular consequence: missense variant.
Genome position (GRCh38, 1-based): chr16:2,084,371, C>G. VCF-style: chr16-2084371-C-G. GRCh37 (hg19) VCF-style: chr16-2134372-C-G.
Other names: c.3948C>G, p.Ser1316Arg (NM_001077183.3); c.4080C>G, p.Ser1360Arg (NM_001114382.3); c.3840C>G, p.Ser1280Arg (NM_001318827.2); c.3804C>G, p.Ser1268Arg (NM_001318829.2); c.3417C>G, p.Ser1139Arg (NM_001318831.2); c.3981C>G, p.Ser1327Arg (NM_001318832.2); c.3951C>G, p.Ser1317Arg (NM_001363528.2); c.4017C>G, p.Ser1339Arg (NM_001370404.1); and 26 more; short protein forms S1139R, S1279R, S1280R, S1313R, S1323R, S1346R, S1382R, S912R.
Identifiers: ClinVar variation 1738218 (VCV001738218.2), dbSNP rs2151524944, ClinGen allele CA394299667.
Genomic context (GRCh38, chr16:2,084,371, plus strand): 5'-CTCCTCGGAGGGTGGCCGGCCCTCTGTGGACCTCTCCTTCCAGCCCTCGCAGCCCCTGAG[C>G]AAGTCCAGCTCCTCTCCCGAGCTGCAGACTCTGCAGGACATCCTCGGGGACCCTGGGGAC-3'
Protein context (NP_000539.2, residues 1373-1393): DLSFQPSQPL[Ser1383Arg]KSSSSPELQT